The following is an entry in ClinVar:

ClinVar aggregate classification (germline): Uncertain significance (1 of 4 stars; one submission).

gnomAD v4.1: 37 of 1,389,262 alleles (0.0027%); highest among the groups gnomAD compares: Middle Eastern, 0.018%; 12 homozygotes.

Submission:

Ambry Genetics
Classification: Uncertain significance. Last evaluated: 2025-11-26. Review status: criteria provided, single submitter. Criteria: Ambry Variant Classification Scheme 2023. Collection method: clinical testing. Allele origin: germline.
Comment: The c.166G>C (p.V56L) alteration is located in exon 2 (coding exon 2) of the RHD gene. This alteration results from a G to C substitution at nucleotide position 166, causing the valine (V) at amino acid position 56 to be replaced by a leucine (L). Based on data from gnomAD, the C allele has an overall frequency of 0.003% (7/225974) total alleles studied. The highest observed frequency was 0.018% (1/5482) of Other alleles. Based on insufficient or conflicting evidence, the clinical significance of this alteration remains unclear.

NM_016124.6(RHD):c.166G>C (p.Val56Leu)

Genes: RHD (Rh blood group D antigen; plus strand), RSRP1 (arginine and serine rich protein 1; minus strand). Cytogenetic location: 1p36.11.
Variant type: single nucleotide variant.
Coding change: c.166G>C on transcript NM_016124.6 (MANE Select); coding-DNA position 166, G replaced by C.
Protein change: p.Val56Leu; replaces valine 56 with leucine.
Molecular consequence: missense variant. On other transcripts: intron variant (1), 5 prime UTR variant (1).
Genome position (GRCh38, 1-based): chr1:25,284,590, G>C. VCF-style: chr1-25284590-G-C. GRCh37 (hg19) VCF-style: chr1-25611081-G-C.
Other names: c.166G>C, p.Val56Leu (NM_001282868.1, NM_001282869.2, NM_001282870.1 and 3 more transcripts); c.-66-37561C>G (NM_001321772.2); c.-329G>C (NM_001282867.1); short protein forms V56L.
Identifiers: ClinVar variation 4577808 (VCV004577808.1).